The following is an entry in ClinVar:

ClinVar aggregate classification (germline): Likely pathogenic (1 of 4 stars; one submission).

Conditions:
Mucopolysaccharidosis, MPS-IV-A (MPS4A). Also called: Morquio syndrome A, mild; MORQUIO SYNDROME A; GALACTOSAMINE-6-SULFATASE DEFICIENCY; GALNS DEFICIENCY; MORQUIO A DISEASE; MPS IVA. Identifiers: Orphanet 309297, Orphanet 582, MedGen C0086651, MONDO:0009659, OMIM 253000.

Submission:

Laboratory of Inherited Metabolic Diseases, Research centre for medical genetics
Classification: Likely pathogenic for Mucopolysaccharidosis, MPS-IV-A. Review status: criteria provided, single submitter. Criteria: ACMG Guidelines, 2015. Collection method: research. Allele origin: germline. Affected: yes. Observed: 2 variant alleles, 1 compound heterozygote, 1 homozygote.
Comment: The patients blood mRNA analysis demonstrated the alteration of splicing.

NM_000512.5(GALNS):c.1003-1570G>T

Gene: GALNS (galactosamine (N-acetyl)-6-sulfatase; minus strand). Cytogenetic location: 16q24.3.
Variant type: single nucleotide variant.
Coding change: c.1003-1570G>T on transcript NM_000512.5 (MANE Select); 1570 bases into the intron before coding-DNA position 1003, G replaced by T.
Molecular consequence: intron variant.
Genome position (GRCh38, 1-based): chr16:88,828,408, C>A on the plus strand (G>T on the coding strand, the complement: GALNS is on the minus strand). VCF-style: chr16-88828408-C-A. GRCh37 (hg19) VCF-style: chr16-88894816-C-A.
Other names: c.448-1570G>T (NM_001323543.2); c.1021-1570G>T (NM_001323544.2).
Identifiers: ClinVar variation 1343783 (VCV001343783.2), dbSNP rs2142996885, ClinGen allele CA2573054286.